The following is an entry in ClinVar:

ClinVar aggregate classification (germline): Conflicting classifications of pathogenicity. Review status: criteria provided, conflicting classifications (1 of 4 stars). 2 submissions from 2 submitters: Uncertain significance (1); Likely benign (1). Last evaluated 2026-06-01.

Allele frequency attached by ClinVar (database versions not stated): ExAC 0.00004; ESP Exome Variant Server 0.00008.
gnomAD v4.1: 42 of 1,608,370 alleles (0.0026%); highest among the groups gnomAD compares: Admixed American, 0.0084%; no homozygotes.

Submissions (2):

CeGaT Center for Human Genetics Tuebingen
Classification: Likely benign. Last evaluated: 2026-06-01. Review status: criteria provided, single submitter. Criteria: CeGaT Center For Human Genetics Tuebingen Variant Classification Criteria Version 2. Collection method: clinical testing. Allele origin: germline. Affected: yes. Observed: 1 variant allele.
Comment: ACE: BP4, BP7

Labcorp Genetics (formerly Invitae), Labcorp
Classification: Uncertain significance. Last evaluated: 2024-01-02. Review status: criteria provided, single submitter. Criteria: Invitae Variant Classification Sherloc (09022015). Collection method: clinical testing. Allele origin: germline.
Comment: This sequence change affects codon 218 of the ACE mRNA. It is a 'silent' change, meaning that it does not change the encoded amino acid sequence of the ACE protein. It affects a nucleotide within the consensus splice site. This variant is present in population databases (rs151017978, gnomAD 0.01%). This variant has not been reported in the literature in individuals affected with ACE-related conditions. ClinVar contains an entry for this variant (Variation ID: 2192645). Algorithms developed to predict the effect of sequence changes on RNA splicing suggest that this variant is not likely to affect RNA splicing. In summary, the available evidence is currently insufficient to determine the role of this variant in disease. Therefore, it has been classified as a Variant of Uncertain Significance.

NM_000789.4(ACE):c.654C>T (p.Asp218=)

Gene: ACE (angiotensin I converting enzyme; plus strand). Cytogenetic location: 17q23.3.
Variant type: single nucleotide variant.
Coding change: c.654C>T on transcript NM_000789.4 (MANE Select); coding-DNA position 654, C replaced by T.
Protein change: p.Asp218=; no amino-acid change (aspartic acid 218 retained).
Molecular consequence: synonymous variant. On other transcripts: intron variant (2).
Genome position (GRCh38, 1-based): chr17:63,479,911, C>T. VCF-style: chr17-63479911-C-T. GRCh37 (hg19) VCF-style: chr17-61557272-C-T.
Other names: c.-197-426C>T (NM_001382701.1); c.183-426C>T (NM_001382700.1).
Identifiers: ClinVar variation 2192645 (VCV002192645.6), dbSNP rs151017978, ClinGen allele CA8699164.
Genomic context (GRCh38, chr17:63,479,911, plus strand): 5'-CCCGCTGAAACCGCTGTACGAGGATTTCACTGCCCTCAGCAATGAAGCCTACAAGCAGGA[C>T]GGTGAGCAGGCCTCTCCCTGTCCAGGAACCACGCCAGGTGTCCTCTCTCAGCTGTCTCCC-3'
Protein context (NP_000780.1, residues 208-228): TALSNEAYKQ[Asp218=]GFTDTGAYWR